The following is an entry in ClinVar:

NM_000038.6(APC):c.724G>T (p.Ala242Ser)

Gene: APC (APC regulator of Wnt signaling pathway; plus strand). Cytogenetic location: 5q22.2.
Variant type: single nucleotide variant.
Coding change: c.724G>T on transcript NM_000038.6 (MANE Select); coding-DNA position 724, G replaced by T.
Protein change: p.Ala242Ser; replaces alanine 242 with serine.
Molecular consequence: missense variant. On other transcripts: 5 prime UTR variant (1), intron variant (2).
Genome position (GRCh38, 1-based): chr5:112,792,524, G>T. VCF-style: chr5-112792524-G-T. GRCh37 (hg19) VCF-style: chr5-112128221-G-T.
Other names: c.724G>T, p.Ala242Ser (NM_001127510.3, NM_001354895.2, NM_001354896.2 and 1 more transcripts); c.754G>T, p.Ala252Ser (NM_001354897.2, NM_001354902.2); c.649G>T, p.Ala217Ser (NM_001354898.2, NM_001354904.2); c.547G>T, p.Ala183Ser (NM_001354900.2, NM_001354901.2, NM_001354905.2); c.-312G>T (NM_001354906.2); c.676-8755G>T (NM_001127511.3); c.646-8755G>T (NM_001354899.2); short protein forms A242S, A252S, A217S, A183S.
Identifiers: ClinVar variation 1384170 (VCV001384170.6), dbSNP rs2149684857, ClinGen allele CA16022915.

ClinVar aggregate classification (germline): Uncertain significance (1 of 4 stars; one submission).

Conditions:
Familial adenomatous polyposis 1 (FAP1). Also called: POLYPOSIS, ADENOMATOUS INTESTINAL; FAMILIAL ADENOMATOUS POLYPOSIS 1, ATTENUATED. Identifiers: MedGen C2713442, MONDO:0021056, OMIM 175100. Disease mechanism: loss of function.

Submission:

Labcorp Genetics (formerly Invitae), Labcorp
Classification: Uncertain significance for Familial adenomatous polyposis 1. Last evaluated: 2021-10-02. Review status: criteria provided, single submitter. Criteria: Invitae Variant Classification Sherloc (09022015). Collection method: clinical testing. Allele origin: germline.
Comment: In summary, the available evidence is currently insufficient to determine the role of this variant in disease. Therefore, it has been classified as a Variant of Uncertain Significance. Algorithms developed to predict the effect of missense changes on protein structure and function (SIFT, PolyPhen-2, Align-GVGD) all suggest that this variant is likely to be tolerated. This variant has not been reported in the literature in individuals affected with APC-related conditions. This variant is not present in population databases (ExAC no frequency). This sequence change replaces alanine with serine at codon 242 of the APC protein (p.Ala242Ser). The alanine residue is moderately conserved and there is a moderate physicochemical difference between alanine and serine.